The following is an entry in ClinVar:

NM_000290.4(PGAM2):c.406A>G (p.Ile136Val)

Genes: DBNL (drebrin like; plus strand), PGAM2 (phosphoglycerate mutase 2; minus strand). Cytogenetic location: 7p13.
Variant type: single nucleotide variant.
Coding change: c.406A>G on transcript NM_000290.4 (MANE Select); coding-DNA position 406, A replaced by G.
Protein change: p.Ile136Val; replaces isoleucine 136 with valine.
Molecular consequence: missense variant. On other transcripts: 3 prime UTR variant (6).
Genome position (GRCh38, 1-based): chr7:44,065,124, T>C on the plus strand (A>G on the coding strand, the complement: PGAM2 is on the minus strand). VCF-style: chr7-44065124-T-C. GRCh37 (hg19) VCF-style: chr7-44104723-T-C.
Other names: c.*4208T>C (NM_001014436.3, NM_001122956.2, NM_001284313.2 and 3 more transcripts); short protein forms I136V.
Identifiers: ClinVar variation 3719054 (VCV003719054.2).
Genomic context (GRCh38, chr7:44,065,124, plus strand): 5'-CGACTCCCCACTCTGCAGCTTCCCAGAGGCCTTCCCAGCAAAGGCAGCCCACCTTGCTAA[T>C]GGAGTTGTAGTAGGGGTGCTTCTCGTCCATCGGGGGCGGCGGGATGTCGAAGGAGCGCCT-3'
Protein context (NP_000281.2, residues 126-146): MDEKHPYYNS[Ile136Val]SKERRYAGLK

ClinVar aggregate classification (germline): Uncertain significance (1 of 4 stars; one submission).

Conditions:
Glycogen storage disease type X (GSD10). Also called: Glycogen storage disease due to phosphoglycerate mutase deficiency; GSD X; MYOPATHY DUE TO PHOSPHOGLYCERATE MUTASE DEFICIENCY; PGAMM DEFICIENCY; PHOSPHOGLYCERATE MUTASE, MUSCLE, DEFICIENCY OF; Dimauro disease. Identifiers: Orphanet 97234, MedGen C0268149, MONDO:0009865, OMIM 261670.

gnomAD v4.1: 58 of 1,613,828 alleles (0.0036%); highest among the groups gnomAD compares: Non-Finnish European, 0.0049%; no homozygotes.

Submission:

Labcorp Genetics (formerly Invitae), Labcorp
Classification: Uncertain significance for Glycogen storage disease type X. Last evaluated: 2024-12-12. Review status: criteria provided, single submitter. Criteria: Invitae Variant Classification Sherloc (09022015). Collection method: clinical testing. Allele origin: germline.
Comment: This sequence change replaces isoleucine, which is neutral and non-polar, with valine, which is neutral and non-polar, at codon 136 of the PGAM2 protein (p.Ile136Val). This variant is not present in population databases (gnomAD no frequency). This variant has not been reported in the literature in individuals affected with PGAM2-related conditions. An algorithm developed to predict the effect of missense changes on protein structure and function (PolyPhen-2) suggests that this variant is likely to be disruptive. In summary, the available evidence is currently insufficient to determine the role of this variant in disease. Therefore, it has been classified as a Variant of Uncertain Significance.